The following is an entry in ClinVar:

ClinVar aggregate classification (germline): Uncertain significance (1 of 4 stars; one submission).

Conditions:
Sessile serrated polyposis cancer syndrome (SSPCS). Identifiers: Orphanet 157798, MedGen C4310714, MONDO:0014919, OMIM 617108.

gnomAD v4.1: 3 of 1,613,264 alleles (0.00019%); highest among the groups gnomAD compares: Non-Finnish European, 0.00025%; no homozygotes.

Submission:

Laboratorio de Genetica e Diagnostico Molecular, Hospital Israelita Albert Einstein
Classification: Uncertain significance for Sessile serrated polyposis cancer syndrome. Last evaluated: 2023-02-10. Review status: criteria provided, single submitter. Criteria: ACMG Guidelines, 2015. Collection method: clinical testing. Allele origin: germline. Affected: yes.
Comment: ACMG classification criteria: PM2 moderate, BP4 supporting

NM_017763.6(RNF43):c.800G>A (p.Ser267Asn)

Gene: RNF43 (ring finger protein 43; minus strand). Cytogenetic location: 17q22.
Variant type: single nucleotide variant.
Coding change: c.800G>A on transcript NM_017763.6 (MANE Select); coding-DNA position 800, G replaced by A.
Protein change: p.Ser267Asn; replaces serine 267 with asparagine.
Molecular consequence: missense variant.
Genome position (GRCh38, 1-based): chr17:58,360,832, C>T on the plus strand (G>A on the coding strand, the complement: RNF43 is on the minus strand). VCF-style: chr17-58360832-C-T. GRCh37 (hg19) VCF-style: chr17-56438193-C-T.
Other names: c.800G>A, p.Ser267Asn (NM_001305544.3); c.419G>A, p.Ser140Asn (NM_001305545.2); short protein forms S140N, S267N.
Identifiers: ClinVar variation 4076383 (VCV004076383.1).
Genomic context (GRCh38, chr17:58,360,832, plus strand): 5'-ACCTGCCTTACCTGCCCCTCAGAGAACTCCTCCAGACAGATGGCACACACAGGGGCTGAG[C>T]TGCAGCTGCTCCCTGAGTCTGGCCACTCACCCCGGGCCTGCCTGCAGCTGGCCTGGTACC-3'
Protein context (NP_060233.3, residues 257-277): GEWPDSGSSC[Ser267Asn]SAPVCAICLE